The following is an entry in ClinVar:

NM_138694.4(PKHD1):c.8465del (p.Lys2822fs)

Gene: PKHD1 (PKHD1 ciliary IPT domain containing fibrocystin/polyductin; minus strand). Cytogenetic location: 6p12.3.
Variant type: Deletion.
Coding change: c.8465del on transcript NM_138694.4 (MANE Select); coding-DNA position 8465, one base deleted (A; older notation c.8465delA).
Protein change: p.Lys2822fs; shifts the reading frame from lysine 2822.
Molecular consequence: frameshift variant.
Genome position (GRCh38, 1-based): chr6:51,775,897, T deleted on the plus strand (A on the coding strand, the reverse complement: PKHD1 is on the minus strand); the first of 4 consecutive T bases (chr6:51,775,897-51,775,900); deleting any one gives the same sequence. VCF-style (leftmost placement, unchanged base first): chr6-51775896-CT-C. GRCh37 (hg19) VCF-style: chr6-51640694-CT-C.
Other names: c.8465del, p.Lys2822fs (NM_170724.3); short protein forms K2822fs.
Identifiers: ClinVar variation 4816773 (VCV004816773.1).

ClinVar aggregate classification (germline): Likely pathogenic (1 of 4 stars; one submission).

Conditions:
Autosomal recessive polycystic kidney disease (ARPKD). Also called: AR polycystic kidney disease. Identifiers: Orphanet 731, Orphanet 8378, MedGen C0085548, MeSH D017044, MONDO:0009889.

Submission:

Natera, Inc.
Classification: Likely pathogenic for Autosomal recessive polycystic kidney disease. Last evaluated: 2024-09-23. Review status: criteria provided, single submitter. Criteria: Natera Variant Classification Schema (03/2026). Collection method: clinical testing. Allele origin: germline.
Comment: The c.8465delA variant in PKHD1 is a frameshift variant predicted to shift the reading frame beginning at codon 2822 and leads to a stop codon 6 codons downstream. This variant is expected to result in nonsense mediated decay, truncation, or a dysfunctional protein product. This variant is rare in the general population with a frequency below the threshold expected for the associated phenotype(s). Given the available evidence, this variant is classified as Likely Pathogenic.